The following is an entry in ClinVar:

NM_001330700.2(TOP2B):c.4489+5G>T

Gene: TOP2B (DNA topoisomerase II beta; minus strand). Cytogenetic location: 3p24.2.
Variant type: single nucleotide variant.
Coding change: c.4489+5G>T on transcript NM_001330700.2 (MANE Select); 5 bases into the intron after coding-DNA position 4489, G replaced by T.
Molecular consequence: intron variant.
Genome position (GRCh38, 1-based): chr3:25,604,755, C>A on the plus strand (G>T on the coding strand, the complement: TOP2B is on the minus strand). VCF-style: chr3-25604755-C-A. GRCh37 (hg19) VCF-style: chr3-25646246-C-A.
Other names: c.4474+5G>T (NM_001068.3).
Identifiers: ClinVar variation 1389758 (VCV001389758.7), dbSNP rs758347808, ClinGen allele CA2288090.

ClinVar aggregate classification (germline): Uncertain significance (1 of 4 stars; one submission).

Allele frequency attached by ClinVar (database versions not stated): ExAC 0.00001; gnomAD exomes 0.00002.
gnomAD v4.1: 5 of 1,598,038 alleles (0.00031%); highest among the groups gnomAD compares: East Asian, 0.011%; no homozygotes.

Submissions (2):

Labcorp Genetics (formerly Invitae), Labcorp
Classification: Uncertain significance. Last evaluated: 2024-11-05. Review status: criteria provided, single submitter. Criteria: Invitae Variant Classification Sherloc (09022015). Collection method: clinical testing. Allele origin: germline.
Comment: This sequence change falls in intron 33 of the TOP2B gene. It does not directly change the encoded amino acid sequence of the TOP2B protein. It affects a nucleotide within the consensus splice site. This variant is present in population databases (rs758347808, gnomAD 0.02%). This variant has not been reported in the literature in individuals affected with TOP2B-related conditions. ClinVar contains an entry for this variant (Variation ID: 1389758). Variants that disrupt the consensus splice site are a relatively common cause of aberrant splicing (PMID: 17576681, 9536098). Algorithms developed to predict the effect of sequence changes on RNA splicing suggest that this variant may disrupt the consensus splice site. In summary, the available evidence is currently insufficient to determine the role of this variant in disease. Therefore, it has been classified as a Variant of Uncertain Significance.

Dr. Peter K. Rogan Lab, Western University
No classification provided (evidence only). Condition: Lung cancer. Review status: no classification provided. Collection method: in vitro. Allele origin: not applicable. Functional consequence: skipped exon. Not counted in ClinVar's aggregate classification.

Literature cited by the submitters: PubMed 17576681 (cited by Labcorp Genetics (formerly Invitae), Labcorp); PubMed 9536098 (cited by Labcorp Genetics (formerly Invitae), Labcorp).